The following is an entry in ClinVar:

NM_020547.3(AMHR2):c.602_610del (p.Pro201_Cys204delinsArg)

Gene: AMHR2 (anti-Mullerian hormone receptor type 2; plus strand). Cytogenetic location: 12q13.13.
Variant type: Deletion.
Coding change: c.602_610del on transcript NM_020547.3 (MANE Select); coding-DNA positions 602 to 610, 9 bases deleted (CTGAGCTGT; older notation c.602_610delCTGAGCTGT).
Protein change: p.Pro201_Cys204delinsArg.
Molecular consequence: inframe indel.
Genome position (GRCh38, 1-based): chr12:53,425,554-53,425,562, CTGAGCTGT deleted. VCF-style (leftmost placement, unchanged base first): chr12-53425553-CCTGAGCTGT-C. GRCh37 (hg19) VCF-style: chr12-53819337-CCTGAGCTGT-C.
Other names: c.602_610del, p.Pro201_Cys204delinsArg (NM_001164690.2, NM_001164691.2).
Identifiers: ClinVar variation 4293640 (VCV004293640.1).

ClinVar aggregate classification (germline): Uncertain significance (1 of 4 stars; one submission).

Conditions:
Persistent Mullerian duct syndrome (PMDS). Also called: FEMALE GENITAL DUCTS IN OTHERWISE NORMAL MALE; HERNIA UTERI INGUINALE; PERSISTENT MULLERIAN DUCT SYNDROME, TYPES I AND II; PERSISTENT OVIDUCT SYNDROME; PSEUDOHERMAPHRODITISM, MALE INTERNAL. Identifiers: Orphanet 2856, MedGen C1849930, MONDO:0009857, OMIM 261550.

Submission:

3billion
Classification: Uncertain significance for Persistent Mullerian duct syndrome. Last evaluated: 2024-08-13. Review status: criteria provided, single submitter. Criteria: ACMG Guidelines, 2015. Collection method: clinical testing. Allele origin: germline. Affected: yes.
Comment: The variant is not observed in the gnomAD v4.0.0 dataset. Predicted Consequence/Location: Inframe deletion located in a nonrepeat region: predicted to change the length of the protein and disrupt normal protein function. In silico tools predict the variant to alter splicing and produce an abnormal transcript [SpliceAI: 0.26 (spliceogenicity >=0.2, non-spliceogenicity <0.1)]. Therefore, this variant is classified as VUS according to the recommendation of ACMG/AMP guideline.